The following is an entry in ClinVar:

NM_007192.4(SUPT16H):c.2383C>G (p.Leu795Val)

Gene: SUPT16H (SPT16 homolog, facilitates chromatin remodeling subunit; minus strand). Cytogenetic location: 14q11.2.
Variant type: single nucleotide variant.
Coding change: c.2383C>G on transcript NM_007192.4 (MANE Select); coding-DNA position 2383, C replaced by G.
Protein change: p.Leu795Val; replaces leucine 795 with valine.
Molecular consequence: missense variant.
Genome position (GRCh38, 1-based): chr14:21,358,346, G>C on the plus strand (C>G on the coding strand, the complement: SUPT16H is on the minus strand). VCF-style: chr14-21358346-G-C. GRCh37 (hg19) VCF-style: chr14-21826505-G-C.
Other names: c.2383C>G (NM_007192.3); short protein forms L795V.
Identifiers: ClinVar variation 2431745 (VCV002431745.5), dbSNP rs1361932846, ClinGen allele CA388861853.
Genomic context (GRCh38, chr14:21,358,346, plus strand): 5'-AACTTCAAGCCAAAAATAAGATAGGTTACCCCAAGTCCCTAAAAGGCACTTCAAATTCCA[G>C]TTCCTCCTTAGTTAGAGCCTCTACTTTCTCAATGAAATTTTTAAAGGCTGTTTTCAGTTT-3'
Protein context (NP_009123.1, residues 785-805): EKVEALTKEE[Leu795Val]EFEVPFRDLG

ClinVar aggregate classification (germline): Uncertain significance. Review status: criteria provided, multiple submitters, no conflicts (2 of 4 stars). 3 submissions from 3 submitters: Uncertain significance (3). Last evaluated 2025-11-27.

Conditions:
Inborn genetic diseases. Identifiers: MedGen C0950123, MeSH D030342.
Neurodevelopmental disorder with dysmorphic facies and thin corpus callosum. Identifiers: MedGen C5551361, MONDO:0859179, OMIM 619480.

Submissions (3):

Dasa
Classification: Uncertain significance. Last evaluated: 2025-11-27. Review status: criteria provided, single submitter. Criteria: DASA Assertion Criteria. Collection method: clinical testing. Allele origin: germline.
Comment: NM_007192.4(SUPT16H):c.2383C>G (p.Leu795Val) is a missense variant that results in the substitution of leucine with valine. This variant is rare in population databases. The currently available literature and clinical evidence are not sufficient to establish a definitive association between this variant and the reported condition. Therefore, this variant is classified as a variant of uncertain significance.

Ambry Genetics
Classification: Uncertain significance for Inborn genetic diseases. Last evaluated: 2024-12-16. Review status: criteria provided, single submitter. Criteria: Ambry Variant Classification Scheme 2023. Collection method: clinical testing. Allele origin: germline.

Laboratorio de Genetica e Diagnostico Molecular, Hospital Israelita Albert Einstein
Classification: Uncertain significance for Neurodevelopmental disorder with dysmorphic facies and thin corpus callosum. Last evaluated: 2022-08-19. Review status: criteria provided, single submitter. Criteria: ACMG Guidelines, 2015. Collection method: clinical testing. Allele origin: germline. Affected: yes.
Comment: ACMG classification criteria: PM2 moderated, PP2 supporting, BP4 supporting